The following is an entry in ClinVar:

ClinVar aggregate classification (germline): Uncertain significance (1 of 4 stars; one submission).

Conditions:
Primary ciliary dyskinesia. Also called: Ciliary dyskinesia. Identifiers: Orphanet 244, MedGen C0008780, MONDO:0016575, HP:0012265.

Allele frequency attached by ClinVar (database versions not stated): ExAC 0.00001; gnomAD exomes 0.00001.
gnomAD v4.1: 19 of 1,613,698 alleles (0.0012%); highest among the groups gnomAD compares: African/African-American, 0.004%; no homozygotes.

Submission:

Labcorp Genetics (formerly Invitae), Labcorp
Classification: Uncertain significance for Primary ciliary dyskinesia. Last evaluated: 2025-11-19. Review status: criteria provided, single submitter. Criteria: Invitae Variant Classification Sherloc (09022015). Collection method: clinical testing. Allele origin: germline.
Comment: This sequence change replaces glutamic acid, which is acidic and polar, with lysine, which is basic and polar, at codon 391 of the DNAAF5 protein (p.Glu391Lys). This variant is present in population databases (rs770230973, gnomAD 0.003%). This variant has not been reported in the literature in individuals affected with DNAAF5-related conditions. ClinVar contains an entry for this variant (Variation ID: 2041937). Invitae Evidence Modeling of protein sequence and biophysical properties (such as structural, functional, and spatial information, amino acid conservation, physicochemical variation, residue mobility, and thermodynamic stability) indicates that this missense variant is expected to disrupt DNAAF5 protein function with a positive predictive value of 80%. In summary, the available evidence is currently insufficient to determine the role of this variant in disease. Therefore, it has been classified as a Variant of Uncertain Significance.

NM_017802.4(DNAAF5):c.1171G>A (p.Glu391Lys)

Gene: DNAAF5 (dynein axonemal assembly factor 5; plus strand). Cytogenetic location: 7p22.3.
Variant type: single nucleotide variant.
Coding change: c.1171G>A on transcript NM_017802.4 (MANE Select); coding-DNA position 1171, G replaced by A.
Protein change: p.Glu391Lys; replaces glutamic acid 391 with lysine.
Molecular consequence: missense variant. On other transcripts: non-coding transcript variant (1).
Genome position (GRCh38, 1-based): chr7:754,735, G>A. VCF-style: chr7-754735-G-A. GRCh37 (hg19) VCF-style: chr7-794372-G-A.
Other names: short protein forms E391K.
Identifiers: ClinVar variation 2041937 (VCV002041937.4), dbSNP rs770230973, ClinGen allele CA4110616.